The following is an entry in ClinVar:

NM_020884.7(MYH7B):c.1376T>A (p.Phe459Tyr)

Gene: MYH7B (myosin heavy chain 7B; plus strand). Cytogenetic location: 20q11.22.
Variant type: single nucleotide variant.
Coding change: c.1376T>A on transcript NM_020884.7 (MANE Select); coding-DNA position 1376, T replaced by A.
Protein change: p.Phe459Tyr; replaces phenylalanine 459 with tyrosine.
Molecular consequence: missense variant.
Genome position (GRCh38, 1-based): chr20:34,987,874, T>A. VCF-style: chr20-34987874-T-A. GRCh37 (hg19) VCF-style: chr20-33575677-T-A.
Other names: short protein forms F459Y.
Identifiers: ClinVar variation 719525 (VCV000719525.35), dbSNP rs754511, ClinGen allele CA9826911.

ClinVar aggregate classification (germline): Benign. Review status: criteria provided, multiple submitters, no conflicts (2 of 4 stars). 4 submissions from 4 submitters: Benign (3). 1 of the submissions does not count toward it. Last evaluated 2026-01-12.

Conditions:
MYH7B-related disorder. Also called: MYH7B-related condition.

Allele frequency attached by ClinVar (database versions not stated): 1000 Genomes Project 30x 0.00250; 1000 Genomes Project 0.00260; ExAC 0.00634; gnomAD exomes 0.00663 and 0.01150; TOPMed 0.00730; gnomAD 0.00735 and 0.00749; ESP Exome Variant Server 0.00930.
gnomAD v4.1: 17,742 of 1,611,252 alleles (1.1%); highest among the groups gnomAD compares: Non-Finnish European, 1.4%; 135 homozygotes.

Submissions (4):

Labcorp Genetics (formerly Invitae), Labcorp
Classification: Benign. Last evaluated: 2026-01-12. Review status: criteria provided, single submitter. Criteria: Invitae Variant Classification Sherloc (09022015). Collection method: clinical testing. Allele origin: germline.

CeGaT Center for Human Genetics Tuebingen
Classification: Benign. Last evaluated: 2022-11-01. Review status: criteria provided, single submitter. Criteria: CeGaT Center For Human Genetics Tuebingen Variant Classification Criteria Version 2. Collection method: clinical testing. Allele origin: germline. Affected: yes. Observed: 3 variant alleles.
Comment: MYH7B: PP3, BS1, BS2

Breakthrough Genomics
Classification: Benign. Review status: criteria provided, single submitter. Criteria: ACMG Guidelines, 2015. Collection method: not provided. Allele origin: germline. Inheritance: Unknown mechanism. Affected: yes.

PreventionGenetics, part of Exact Sciences
Classification: Benign for MYH7B-related condition. Last evaluated: 2024-01-05. Review status: no assertion criteria provided. Collection method: clinical testing. Allele origin: germline. Not counted in ClinVar's aggregate classification.
Comment: This variant is classified as benign based on ACMG/AMP sequence variant interpretation guidelines (Richards et al. 2015 PMID: 25741868, with internal and published modifications).